The following is an entry in ClinVar:

NM_024652.6(LRRK1):c.5902G>A (p.Asp1968Asn)

Genes: LRRK1 (leucine rich repeat kinase 1; plus strand), LRRK1-AS1 (LRRK1 antisense RNA 1; minus strand). Cytogenetic location: 15q26.3.
Variant type: single nucleotide variant.
Coding change: c.5902G>A on transcript NM_024652.6 (MANE Select); coding-DNA position 5902, G replaced by A.
Protein change: p.Asp1968Asn; replaces aspartic acid 1968 with asparagine.
Molecular consequence: missense variant.
Genome position (GRCh38, 1-based): chr15:101,068,702, G>A. VCF-style: chr15-101068702-G-A. GRCh37 (hg19) VCF-style: chr15-101608907-G-A.
Other names: short protein forms D1968N.
Identifiers: ClinVar variation 1486827 (VCV001486827.6), dbSNP rs200845343, ClinGen allele CA7762307.
Genomic context (GRCh38, chr15:101,068,702, plus strand): 5'-AGTTTCCTCAGACCCCCTTCTCTCTGCAGGGTGCTGGTGGATGCTGCCGTGGTGGCAAAG[G>A]ACACTGTTGTGTGCACCTTTGAAAATGAAAACACAGAGTGGTGCCTGGCCGTCTGGAGGG-3'
Protein context (NP_078928.3, residues 1958-1978): VLVDAAVVAK[Asp1968Asn]TVVCTFENEN

ClinVar aggregate classification (germline): Uncertain significance. Review status: criteria provided, multiple submitters, no conflicts (2 of 4 stars). 2 submissions from 2 submitters: Uncertain significance (2). Last evaluated 2021-09-24.

Allele frequency attached by ClinVar (database versions not stated): gnomAD exomes 0.00002 and 0.00003; ExAC 0.00003; TOPMed 0.00003; gnomAD 0.00005; ESP Exome Variant Server 0.00008.

Submissions (2):

Labcorp Genetics (formerly Invitae), Labcorp
Classification: Uncertain significance. Last evaluated: 2021-09-24. Review status: criteria provided, single submitter. Criteria: Invitae Variant Classification Sherloc (09022015). Collection method: clinical testing. Allele origin: germline.
Comment: This sequence change replaces aspartic acid with asparagine at codon 1968 of the LRRK1 protein (p.Asp1968Asn). The aspartic acid residue is highly conserved and there is a small physicochemical difference between aspartic acid and asparagine. This variant is present in population databases (rs200845343, ExAC 0.005%). This variant has not been reported in the literature in individuals affected with LRRK1-related conditions. Algorithms developed to predict the effect of missense changes on protein structure and function are either unavailable or do not agree on the potential impact of this missense change (SIFT: "Tolerated"; PolyPhen-2: "Probably Damaging"; Align-GVGD: "Class C0"). In summary, the available evidence is currently insufficient to determine the role of this variant in disease. Therefore, it has been classified as a Variant of Uncertain Significance.

Breakthrough Genomics
Classification: Uncertain significance. Review status: criteria provided, single submitter. Criteria: ACMG Guidelines, 2015. Collection method: not provided. Allele origin: germline. Inheritance: Autosomal recessive inheritance. Affected: yes.